The following is an entry in ClinVar:

ClinVar aggregate classification (germline): Uncertain significance (1 of 4 stars; one submission).

Conditions:
Propionic acidemia (PROP). Also called: GLYCINEMIA, KETOTIC; HYPERGLYCINEMIA WITH KETOACIDOSIS AND LEUKOPENIA; KETOTIC HYPERGLYCINEMIA. Identifiers: Orphanet 35, MedGen C0268579, MONDO:0011628, OMIM 606054, HP:0003571.

gnomAD v4.1: 2 of 1,606,862 alleles (0.00012%); highest among the groups gnomAD compares: Non-Finnish European, 0.00017%; no homozygotes.

Submission:

Labcorp Genetics (formerly Invitae), Labcorp
Classification: Uncertain significance for Propionic acidemia. Last evaluated: 2024-04-15. Review status: criteria provided, single submitter. Criteria: Invitae Variant Classification Sherloc (09022015). Collection method: clinical testing. Allele origin: germline.
Comment: This sequence change replaces alanine, which is neutral and non-polar, with glycine, which is neutral and non-polar, at codon 574 of the PCCA protein (p.Ala574Gly). This variant is present in population databases (no rsID available, gnomAD 0.003%). This variant has not been reported in the literature in individuals affected with PCCA-related conditions. Advanced modeling of protein sequence and biophysical properties (such as structural, functional, and spatial information, amino acid conservation, physicochemical variation, residue mobility, and thermodynamic stability) has been performed at Invitae for this missense variant, however the output from this modeling did not meet the statistical confidence thresholds required to predict the impact of this variant on PCCA protein function. In summary, the available evidence is currently insufficient to determine the role of this variant in disease. Therefore, it has been classified as a Variant of Uncertain Significance.

NM_000282.4(PCCA):c.1721C>G (p.Ala574Gly)

Gene: PCCA (propionyl-CoA carboxylase subunit alpha; plus strand). Cytogenetic location: 13q32.3.
Variant type: single nucleotide variant.
Coding change: c.1721C>G on transcript NM_000282.4 (MANE Select); coding-DNA position 1721, C replaced by G.
Protein change: p.Ala574Gly; replaces alanine 574 with glycine.
Molecular consequence: missense variant. On other transcripts: non-coding transcript variant (2).
Genome position (GRCh38, 1-based): chr13:100,368,549, C>G. VCF-style: chr13-100368549-C-G. GRCh37 (hg19) VCF-style: chr13-101020803-C-G.
Other names: c.1643C>G, p.Ala548Gly (NM_001127692.3, NM_001352607.2); c.1721C>G, p.Ala574Gly (NM_001178004.2, NM_001352605.2, NM_001352609.2); c.1577C>G, p.Ala526Gly (NM_001352606.2); c.1499C>G, p.Ala500Gly (NM_001352608.2); c.776C>G, p.Ala259Gly (NM_001352610.2, NM_001352611.2); c.632C>G, p.Ala211Gly (NM_001352612.2); short protein forms A259G, A548G, A211G, A574G, A500G, A526G.
Identifiers: ClinVar variation 3708537 (VCV003708537.2).